The following is an entry in ClinVar:

ClinVar aggregate classification (germline): Uncertain significance (1 of 4 stars; one submission).

gnomAD v4.1: 2 of 1,614,188 alleles (0.00012%); highest among the groups gnomAD compares: South Asian, 0.0011%; no homozygotes.

Submission:

Ambry Genetics
Classification: Uncertain significance. Last evaluated: 2023-05-14. Review status: criteria provided, single submitter. Criteria: Ambry Variant Classification Scheme 2023. Collection method: clinical testing. Allele origin: germline.
Comment: The p.A345P variant (also known as c.1033G>C), located in coding exon 3 of the TERF2IP gene, results from a G to C substitution at nucleotide position 1033. The alanine at codon 345 is replaced by proline, an amino acid with highly similar properties. This amino acid position is conserved. In addition, this alteration is predicted to be tolerated by in silico analysis. Since supporting evidence is limited at this time, the clinical significance of this alteration remains unclear.

NM_018975.4(TERF2IP):c.1033G>C (p.Ala345Pro)

Gene: TERF2IP (TERF2 interacting protein; plus strand). Cytogenetic location: 16q23.1.
Variant type: single nucleotide variant.
Coding change: c.1033G>C on transcript NM_018975.4 (MANE Select); coding-DNA position 1033, G replaced by C.
Protein change: p.Ala345Pro; replaces alanine 345 with proline.
Molecular consequence: missense variant. On other transcripts: non-coding transcript variant (1).
Genome position (GRCh38, 1-based): chr16:75,656,444, G>C. VCF-style: chr16-75656444-G-C. GRCh37 (hg19) VCF-style: chr16-75690342-G-C.
Other names: short protein forms A345P.
Identifiers: ClinVar variation 2563467 (VCV002563467.2), dbSNP rs2507089669, ClinGen allele CA396820128.